The following is an entry in ClinVar:

NM_022124.6(CDH23):c.2954-2A>G

Gene: CDH23 (cadherin related 23; plus strand). Cytogenetic location: 10q22.1.
Variant type: single nucleotide variant.
Coding change: c.2954-2A>G on transcript NM_022124.6 (MANE Select); the canonical splice acceptor site of the intron before coding-DNA position 2954, A replaced by G.
Molecular consequence: splice acceptor variant.
Genome position (GRCh38, 1-based): chr10:71,706,895, A>G. VCF-style: chr10-71706895-A-G. GRCh37 (hg19) VCF-style: chr10-73466652-A-G.
Other names: c.2954-2A>G (NM_001171930.2, NM_001171931.2).
Identifiers: ClinVar variation 2680523 (VCV002680523.5), dbSNP rs1865810132, ClinGen allele CA377140230.
Genomic context (GRCh38, chr10:71,706,895, plus strand): 5'-CTGGAGCTGGGTCTTCTGCGGCAGAAGCCAGGCCTAGCCCCGGCGCCCGTTCTGCCCCGC[A>G]GTGCTGGATGTGAACGACGAGACGCCCACCTTCTTCCCGGCCGTGTACAATGTGTCTGTG-3'

ClinVar aggregate classification (germline): Likely pathogenic. Review status: criteria provided, multiple submitters, no conflicts (2 of 4 stars). 3 submissions from 3 submitters: Likely pathogenic (3). Last evaluated 2024-04-16.

Conditions:
Pituitary adenoma 5, multiple types. Identifiers: MedGen C4539685, MONDO:0054601, OMIM 617540.
Autosomal recessive nonsyndromic hearing loss 12. Also called: DEAFNESS, AUTOSOMAL RECESSIVE 12. Identifiers: Orphanet 90636, MedGen C1832394, MONDO:0011067, OMIM 601386.
Usher syndrome type 1D (USH1D). Also called: USHER SYNDROME, TYPE ID. Identifiers: Orphanet 231169, Orphanet 886, MedGen C1832845, MONDO:0010984, OMIM 601067.

Allele frequency attached by ClinVar (database versions not stated): gnomAD 0.00001.
gnomAD v4.1: 1 of 1,595,942 alleles (0.000063%); highest among the groups gnomAD compares: African/African-American, 0.0013%; no homozygotes.

Submissions (3):

Fulgent Genetics
Classification: Likely pathogenic for Usher syndrome type 1D; Autosomal recessive nonsyndromic hearing loss 12; Pituitary adenoma 5, multiple types. Last evaluated: 2024-04-16. Review status: criteria provided, single submitter. Criteria: ACMG Guidelines, 2015. Collection method: clinical testing. Allele origin: germline.

Labcorp Genetics (formerly Invitae), Labcorp
Classification: Likely pathogenic. Last evaluated: 2023-07-24. Review status: criteria provided, single submitter. Criteria: Invitae Variant Classification Sherloc (09022015). Collection method: clinical testing. Allele origin: germline.
Comment: In summary, the currently available evidence indicates that the variant is pathogenic, but additional data are needed to prove that conclusively. Therefore, this variant has been classified as Likely Pathogenic. Algorithms developed to predict the effect of sequence changes on RNA splicing suggest that this variant may disrupt the consensus splice site. This variant has not been reported in the literature in individuals affected with CDH23-related conditions. This variant is not present in population databases (gnomAD no frequency). This sequence change affects an acceptor splice site in intron 25 of the CDH23 gene. It is expected to disrupt RNA splicing. Variants that disrupt the donor or acceptor splice site typically lead to a loss of protein function (PMID: 16199547), and loss-of-function variants in CDH23 are known to be pathogenic (PMID: 11138009, 21940737).

Baylor Genetics
Classification: Likely pathogenic for Pituitary adenoma 5, multiple types. Last evaluated: 2022-07-09. Review status: criteria provided, single submitter. Criteria: ACMG Guidelines, 2015. Collection method: clinical testing. Allele origin: unknown.

Literature cited by the submitters: PubMed 16199547 (cited by Labcorp Genetics (formerly Invitae), Labcorp); PubMed 11138009 (cited by Labcorp Genetics (formerly Invitae), Labcorp); PubMed 21940737 (cited by Labcorp Genetics (formerly Invitae), Labcorp).